The following is an entry in ClinVar:

ClinVar aggregate classification (germline): Uncertain significance (1 of 4 stars; one submission).

Conditions:
Intestinal pseudoobstruction, neuronal, chronic idiopathic, X-linked (CIIPX). Also called: FLNA-Related Periventricular Nodular Heterotopia (FLNA-Related PVNH; Huttenlocher Syndrome); CONGENITAL IDIOPATHIC INTESTINAL PSEUDOOBSTRUCTION; INTESTINAL PSEUDOOBSTRUCTION, NEURONAL, CHRONIC IDIOPATHIC, WITH CENTRAL NERVOUS SYSTEM INVOLVEMENT. Identifiers: Orphanet 2301, MedGen C2746068, MONDO:0010232, OMIM 300048.
Cardiac valvular dysplasia, X-linked (CVDPX). Also called: Congenital valvular dysplasia; Isolated X-Linked Cardiac Valvular Dysplasia; FLNA-Related X-linked Cardiac Valvular Dysplasia; MYXOMATOUS VALVULAR DYSTROPHY, X-LINKED; VALVULAR HEART DISEASE, CONGENITAL. Identifiers: Orphanet 1864, Orphanet 555877, Orphanet 75497, MedGen C0262436, MONDO:0010753, OMIM 314400.
Heterotopia, periventricular, X-linked dominant (PVNH1). Also called: PERIVENTRICULAR NODULAR HETEROTOPIA 4; HETEROTOPIA, PERIVENTRICULAR, 1; PERIVENTRICULAR NODULAR HETEROTOPIA 1; X-linked periventricular heterotopia. Identifiers: Orphanet 2149, Orphanet 82004, MedGen C1848213, MONDO:0010233, OMIM 300049.
Oto-palato-digital syndrome, type II (OPD2). Also called: Otopalatodigital Syndrome, Type II; FACIOPALATOOSSEOUS SYNDROME; OPD II SYNDROME; Otopalatodigital Syndrome Type 2 (FLNA-OPD2). Identifiers: Orphanet 669, Orphanet 90652, MedGen C1844696, MONDO:0010571, OMIM 304120.
Oto-palato-digital syndrome, type I (OPD1). Also called: Taybi syndrome; Otopalatodigital Syndrome, Type I; OPD I SYNDROME; OPD SYNDROME 1; Otopalatodigital Syndrome Type 1 (FLNA-OPD1). Identifiers: Orphanet 669, Orphanet 90650, MedGen C0265251, MONDO:0010704, OMIM 311300.
Frontometaphyseal dysplasia 1 (FMD1). Also called: Frontometaphyseal Dysplasia (FLNA-FMD). Identifiers: Orphanet 1826, MedGen C4281559, MONDO:0024550, OMIM 305620.
Terminal osseous dysplasia-pigmentary defects syndrome. Also called: Terminal Osseous Dysplasia (FLNA-TOD); ODPD; TERMINAL OSSEOUS DYSPLASIA AND PIGMENTARY DEFECTS; ODPF SYNDROME; OSSEOUS DYSPLASIA, DIGITAL, WITH FACIAL PIGMENTARY DEFECTS AND MULTIPLE FRENULA. Identifiers: Orphanet 88630, MedGen C1846129, MONDO:0010279, OMIM 300244.
FG syndrome 2 (FGS2). Identifiers: MedGen C1845902, MONDO:0010297, OMIM 300321.
Melnick-Needles syndrome (MNS). Also called: MELNICK-NEEDLES OSTEODYSPLASTY; OSTEODYSPLASTY OF MELNICK AND NEEDLES; Melnick-Needles Syndrome (FLNA-MNS). Identifiers: Orphanet 2484, MedGen C0025237, MONDO:0010650, OMIM 309350.

Submission:

Center for Genomics, Ann and Robert H. Lurie Children's Hospital of Chicago
Classification: Uncertain significance for Oto-palato-digital syndrome, type II; Intestinal pseudoobstruction, neuronal, chronic idiopathic, X-linked; Cardiac valvular dysplasia, X-linked; FG syndrome 2; Melnick-Needles syndrome; Terminal osseous dysplasia-pigmentary defects syndrome; Oto-palato-digital syndrome, type I; Heterotopia, periventricular, X-linked dominant; Frontometaphyseal dysplasia 1. Review status: criteria provided, single submitter. Criteria: ACMG Guidelines, 2015. Collection method: clinical testing. Allele origin: germline.
Comment: FLNA NM_001456 exon 8 p.Thr402Ala (c.1204A>G): This variant has not been reported in the literature and is not present in large control databases. Evolutionary conservation and computational predictive tools for this variant are unclear. In summary, data on this variant is insufficient for disease classification. Therefore, the clinical significance of this variant is uncertain.

NM_001110556.2(FLNA):c.1204A>G (p.Thr402Ala)

Gene: FLNA (filamin A; minus strand). Cytogenetic location: Xq28.
Variant type: single nucleotide variant.
Coding change: c.1204A>G on transcript NM_001110556.2 (MANE Select); coding-DNA position 1204, A replaced by G.
Protein change: p.Thr402Ala; replaces threonine 402 with alanine.
Molecular consequence: missense variant.
Genome position (GRCh38, 1-based): chrX:154,366,332, T>C on the plus strand (A>G on the coding strand, the complement: FLNA is on the minus strand). VCF-style: chrX-154366332-T-C. GRCh37 (hg19) VCF-style: chrX-153594700-T-C.
Other names: c.1204A>G, p.Thr402Ala (NM_001456.4); short protein forms T402A.
Identifiers: ClinVar variation 625950 (VCV000625950.3), dbSNP rs1569551838, ClinGen allele CA415244157.